The following is an entry in ClinVar:

ClinVar aggregate classification (germline): Uncertain significance (1 of 4 stars; one submission).

Submission:

Labcorp Genetics (formerly Invitae), Labcorp
Classification: Uncertain significance. Last evaluated: 2023-07-17. Review status: criteria provided, single submitter. Criteria: Invitae Variant Classification Sherloc (09022015). Collection method: clinical testing. Allele origin: germline.
Comment: In summary, the available evidence is currently insufficient to determine the role of this variant in disease. Therefore, it has been classified as a Variant of Uncertain Significance. Variants that disrupt the consensus splice site are a relatively common cause of aberrant splicing (PMID: 17576681, 9536098). Algorithms developed to predict the effect of sequence changes on RNA splicing suggest that this variant may disrupt the consensus splice site. ClinVar contains an entry for this variant (Variation ID: 2024157). This variant has not been reported in the literature in individuals affected with PDYN-related conditions. This variant is not present in population databases (gnomAD no frequency). This sequence change falls in intron 3 of the PDYN gene. It does not directly change the encoded amino acid sequence of the PDYN protein. It affects a nucleotide within the consensus splice site.

Literature cited by the submitters: PubMed 17576681; PubMed 9536098.

NM_024411.5(PDYN):c.129+3A>G

Genes: PDYN (prodynorphin; minus strand), PDYN-AS1 (PDYN antisense RNA 1; plus strand). Cytogenetic location: 20p13.
Variant type: single nucleotide variant.
Coding change: c.129+3A>G on transcript NM_024411.5 (MANE Select); 3 bases into the intron after coding-DNA position 129, A replaced by G.
Molecular consequence: intron variant.
Genome position (GRCh38, 1-based): chr20:1,982,953, T>C on the plus strand (A>G on the coding strand, the complement: PDYN is on the minus strand). VCF-style: chr20-1982953-T-C. GRCh37 (hg19) VCF-style: chr20-1963599-T-C.
Other names: c.129+3A>G (NM_001190899.2, NM_001190900.1, NM_001190892.1 and 1 more transcripts).
Identifiers: ClinVar variation 2024157 (VCV002024157.4), dbSNP rs2514350236, ClinGen allele CA2580097839.